The following is an entry in ClinVar:

NM_004977.3(KCNC3):c.804G>T (p.Trp268Cys)

Genes: KCNC3 (potassium voltage-gated channel subfamily C member 3; minus strand), LOC130064972 (ATAC-STARR-seq lymphoblastoid silent region 10954; plus strand). Cytogenetic location: 19q13.33.
Variant type: single nucleotide variant.
Coding change: c.804G>T on transcript NM_004977.3 (MANE Select); coding-DNA position 804, G replaced by T.
Protein change: p.Trp268Cys; replaces tryptophan 268 with cysteine.
Molecular consequence: missense variant.
Genome position (GRCh38, 1-based): chr19:50,328,279, C>A on the plus strand (G>T on the coding strand, the complement: KCNC3 is on the minus strand). VCF-style: chr19-50328279-C-A. GRCh37 (hg19) VCF-style: chr19-50831536-C-A.
Other names: c.804G>T (NM_004977.2); c.576G>T, p.Trp192Cys (NM_001372305.1); short protein forms W192C, W268C.
Identifiers: ClinVar variation 1422754 (VCV001422754.8), dbSNP rs1015358035, ClinGen allele CA309575852.

ClinVar aggregate classification (germline): Uncertain significance. Review status: criteria provided, multiple submitters, no conflicts (2 of 4 stars). 3 submissions from 3 submitters: Uncertain significance (3). Last evaluated 2026-01-05.

Conditions:
Inborn genetic diseases. Identifiers: MedGen C0950123, MeSH D030342.

Allele frequency attached by ClinVar (database versions not stated): gnomAD 0.00009; TOPMed 0.00011; gnomAD exomes 0.00019.
gnomAD v4.1: 209 of 1,182,676 alleles (0.018%); highest among the groups gnomAD compares: Non-Finnish European, 0.021%; no homozygotes.

Submissions (3):

Labcorp Genetics (formerly Invitae), Labcorp
Classification: Uncertain significance. Last evaluated: 2026-01-05. Review status: criteria provided, single submitter. Criteria: Invitae Variant Classification Sherloc (09022015). Collection method: clinical testing. Allele origin: germline.
Comment: This sequence change replaces tryptophan, which is neutral and slightly polar, with cysteine, which is neutral and slightly polar, at codon 268 of the KCNC3 protein (p.Trp268Cys). This variant is present in population databases (no rsID available, gnomAD 0.01%). This variant has not been reported in the literature in individuals affected with KCNC3-related conditions. ClinVar contains an entry for this variant (Variation ID: 1422754). An algorithm developed to predict the effect of missense changes on protein structure and function (PolyPhen-2) suggests that this variant is likely to be disruptive. In summary, the available evidence is currently insufficient to determine the role of this variant in disease. Therefore, it has been classified as a Variant of Uncertain Significance.

Ambry Genetics
Classification: Uncertain significance for Inborn genetic diseases. Last evaluated: 2024-04-29. Review status: criteria provided, single submitter. Criteria: Ambry Variant Classification Scheme 2023. Collection method: clinical testing. Allele origin: germline.

Women's Health and Genetics/Laboratory Corporation of America, LabCorp
Classification: Uncertain significance. Last evaluated: 2023-07-11. Review status: criteria provided, single submitter. Criteria: LabCorp Variant Classification Summary - May 2015. Collection method: clinical testing. Allele origin: germline.
Comment: Variant summary: KCNC3 c.804G>T (p.Trp268Cys) results in a non-conservative amino acid change in the encoded protein sequence. Five of five in-silico tools predict a damaging effect of the variant on protein function. The variant allele was found at a frequency of 8.8e-05 in 148476 control chromosomes (gnomAD v3.1). To our knowledge, no occurrence of c.804G>T in individuals affected with Spinocerebellar Ataxia Type 13 and no experimental evidence demonstrating its impact on protein function have been reported. Two submitters have cited clinical-significance assessments for this variant to ClinVar after 2014 and both classified the variant as uncertain significance. Based on the evidence outlined above, the variant was classified as uncertain significance.